The following is an entry in ClinVar:

ClinVar aggregate classification (germline): Uncertain significance (1 of 4 stars; one submission).

Conditions:
Primary ciliary dyskinesia. Also called: Ciliary dyskinesia. Identifiers: Orphanet 244, MedGen C0008780, MONDO:0016575, HP:0012265.

Allele frequency attached by ClinVar (database versions not stated): TOPMed below 0.00001; gnomAD 0.00001; gnomAD exomes 0.00001.
gnomAD v4.1: 15 of 1,613,914 alleles (0.00093%); highest among the groups gnomAD compares: Non-Finnish European, 0.0013%; no homozygotes.

Submission:

Labcorp Genetics (formerly Invitae), Labcorp
Classification: Uncertain significance for Primary ciliary dyskinesia. Last evaluated: 2023-12-21. Review status: criteria provided, single submitter. Criteria: Invitae Variant Classification Sherloc (09022015). Collection method: clinical testing. Allele origin: germline.
Comment: This sequence change replaces proline, which is neutral and non-polar, with arginine, which is basic and polar, at codon 77 of the DNAAF1 protein (p.Pro77Arg). This variant is present in population databases (no rsID available, gnomAD 0.002%). This variant has not been reported in the literature in individuals affected with DNAAF1-related conditions. An algorithm developed to predict the effect of missense changes on protein structure and function (PolyPhen-2) suggests that this variant is likely to be tolerated. In summary, the available evidence is currently insufficient to determine the role of this variant in disease. Therefore, it has been classified as a Variant of Uncertain Significance.

NM_178452.6(DNAAF1):c.230C>G (p.Pro77Arg)

Gene: DNAAF1 (dynein axonemal assembly factor 1; plus strand). Cytogenetic location: 16q24.1.
Variant type: single nucleotide variant.
Coding change: c.230C>G on transcript NM_178452.6 (MANE Select); coding-DNA position 230, C replaced by G.
Protein change: p.Pro77Arg; replaces proline 77 with arginine.
Molecular consequence: missense variant.
Genome position (GRCh38, 1-based): chr16:84,149,112, C>G. VCF-style: chr16-84149112-C-G. GRCh37 (hg19) VCF-style: chr16-84182717-C-G.
Other names: short protein forms P77R.
Identifiers: ClinVar variation 3015374 (VCV003015374.3), dbSNP rs1210838568, ClinGen allele CA396940348.